The following is an entry in ClinVar:

NM_017946.4(FKBP14):c.275T>G (p.Leu92Trp)

Genes: FKBP14 (FKBP prolyl isomerase 14; minus strand), FKBP14-AS1 (FKBP14 antisense RNA 1; plus strand). Cytogenetic location: 7p14.3.
Variant type: single nucleotide variant.
Coding change: c.275T>G on transcript NM_017946.4 (MANE Select); coding-DNA position 275, T replaced by G.
Protein change: p.Leu92Trp; replaces leucine 92 with tryptophan.
Molecular consequence: missense variant. On other transcripts: non-coding transcript variant (1).
Genome position (GRCh38, 1-based): chr7:30,022,739, A>C on the plus strand (T>G on the coding strand, the complement: FKBP14 is on the minus strand). VCF-style: chr7-30022739-A-C. GRCh37 (hg19) VCF-style: chr7-30062355-A-C.
Other names: short protein forms L92W.
Identifiers: ClinVar variation 426477 (VCV000426477.3), dbSNP rs1085307645, ClinGen allele CA367117421.

ClinVar aggregate classification (germline): Uncertain significance (1 of 4 stars; one submission).

Submission:

GeneDx
Classification: Uncertain significance. Last evaluated: 2024-01-25. Review status: criteria provided, single submitter. Criteria: GeneDx Variant Classification Process June 2021. Collection method: clinical testing. Allele origin: germline. Affected: yes.
Comment: Not observed at significant frequency in large population cohorts (gnomAD); In silico analysis supports that this missense variant has a deleterious effect on protein structure/function; Has not been previously published as pathogenic or benign to our knowledge